The following is an entry in ClinVar:

NM_003072.5(SMARCA4):c.923C>T (p.Thr308Met)

Gene: SMARCA4 (SWI/SNF related BAF chromatin remodeling complex subunit ATPase 4; plus strand). Cytogenetic location: 19p13.2.
Variant type: single nucleotide variant.
Coding change: c.923C>T on transcript NM_003072.5 (MANE Select); coding-DNA position 923, C replaced by T.
Protein change: p.Thr308Met; replaces threonine 308 with methionine.
Molecular consequence: missense variant. On other transcripts: non-coding transcript variant (1).
Genome position (GRCh38, 1-based): chr19:10,987,729, C>T. VCF-style: chr19-10987729-C-T. GRCh37 (hg19) VCF-style: chr19-11098405-C-T.
Other names: c.923C>T, p.Thr308Met (NM_001128844.3, NM_001128845.2, NM_001128846.2 and 5 more transcripts); short protein forms T308M.
Identifiers: ClinVar variation 659183 (VCV000659183.17), dbSNP rs770322996, ClinGen allele CA9203629.

ClinVar aggregate classification (germline): Conflicting classifications of pathogenicity. Review status: criteria provided, conflicting classifications (1 of 4 stars). 5 submissions from 5 submitters: Uncertain significance (4); Likely benign (1). Last evaluated 2025-11-25.

Conditions:
Rhabdoid tumor predisposition syndrome 2 (RTPS2). Identifiers: Orphanet 231108, Orphanet 69077, MedGen C2750074, MONDO:0013224, OMIM 613325.
SMARCA4-related disorder. Also called: SMARCA4-related condition.
Hereditary cancer-predisposing syndrome. Also called: Hereditary neoplastic syndrome; Neoplastic Syndromes, Hereditary; Hereditary Cancer Syndrome; Tumor predisposition. Identifiers: Orphanet 140162, MedGen C0027672, MeSH D009386, MONDO:0015356.
Intellectual disability, autosomal dominant 16 (CSS4). Also called: COFFIN-SIRIS SYNDROME 4. Identifiers: Orphanet 1465, MedGen C3553249, MONDO:0013821, OMIM 614609.

Allele frequency attached by ClinVar (database versions not stated): TOPMed below 0.00001; ExAC 0.00001.
gnomAD v4.1: 24 of 1,608,196 alleles (0.0015%); highest among the groups gnomAD compares: South Asian, 0.0044%; no homozygotes.

Submissions (5):

Labcorp Genetics (formerly Invitae), Labcorp
Classification: Uncertain significance for Rhabdoid tumor predisposition syndrome 2. Last evaluated: 2025-11-25. Review status: criteria provided, single submitter. Criteria: Invitae Variant Classification Sherloc (09022015). Collection method: clinical testing. Allele origin: germline.
Comment: This sequence change replaces threonine, which is neutral and polar, with methionine, which is neutral and non-polar, at codon 308 of the SMARCA4 protein (p.Thr308Met). This variant is not present in population databases (gnomAD no frequency). This variant has not been reported in the literature in individuals affected with SMARCA4-related conditions. ClinVar contains an entry for this variant (Variation ID: 659183). Invitae Evidence Modeling of protein sequence and biophysical properties (such as structural, functional, and spatial information, amino acid conservation, physicochemical variation, residue mobility, and thermodynamic stability) indicates that this missense variant is not expected to disrupt SMARCA4 protein function with a negative predictive value of 95%. In summary, the available evidence is currently insufficient to determine the role of this variant in disease. Therefore, it has been classified as a Variant of Uncertain Significance.

PreventionGenetics, part of Exact Sciences
Classification: Uncertain significance for SMARCA4-related condition. Last evaluated: 2023-06-04. Review status: criteria provided, single submitter. Criteria: ACMG Guidelines, 2015. Collection method: clinical testing. Allele origin: germline.
Comment: The SMARCA4 c.923C>T variant is predicted to result in the amino acid substitution p.Thr308Met. To our knowledge, this variant has not been reported in the literature or in a large population database, indicating this variant is rare. At this time, the clinical significance of this variant is uncertain due to the absence of conclusive functional and genetic evidence.

Ambry Genetics
Classification: Likely benign for Hereditary cancer-predisposing syndrome. Last evaluated: 2023-05-28. Review status: criteria provided, single submitter. Criteria: Ambry Variant Classification Scheme 2023. Collection method: clinical testing. Allele origin: germline.

Sema4
Classification: Uncertain significance for Hereditary cancer-predisposing syndrome. Last evaluated: 2021-08-03. Review status: criteria provided, single submitter. Criteria: Sema4 Curation Guidelines. Collection method: curation. Allele origin: germline.
Comment: To the best of our knowledge, the SMARCA4 c.923C>T (p.T308M) variant has not been reported in individuals with SMARCA4-related disease. It was not observed in the large and broad cohorts of the Genome Aggregation Database (PMID: 32461654). The variant has been reported in ClinVar (Variation ID 659183). Functional studies have not been performed and in silico predictions of the variant's effect on protein function are inconclusive. The evidence is insufficient to meet ACMG/AMP criteria for classifying the variant as benign or pathogenic. Thus, the clinical significance of this variant is currently uncertain.

Genome-Nilou Lab
Classification: Uncertain significance for Intellectual disability, autosomal dominant 16. Last evaluated: 2021-07-15. Review status: criteria provided, single submitter. Criteria: ACMG Guidelines, 2015. Collection method: clinical testing. Allele origin: germline. Affected: no.